The following is an entry in ClinVar:

ClinVar aggregate classification (germline): Uncertain significance. Review status: criteria provided, multiple submitters, no conflicts (2 of 4 stars). 2 submissions from 2 submitters: Uncertain significance (2). Last evaluated 2022-12-12.

Conditions:
Familial hypocalciuric hypercalcemia (FHH). Also called: Familial benign hypercalcemia. Identifiers: Orphanet 405, MedGen C1809471, MONDO:0018458.
Autosomal dominant hypocalcemia 1 (HYPOC1). Also called: HYPOCALCEMIA, FAMILIAL. Identifiers: MedGen C3715128, MONDO:0011013, OMIM 601198.
Nephrolithiasis/nephrocalcinosis. Identifiers: MedGen CN580796.

Submissions (2):

Labcorp Genetics (formerly Invitae), Labcorp
Classification: Uncertain significance for Familial hypocalciuric hypercalcemia; Autosomal dominant hypocalcemia 1. Last evaluated: 2022-12-12. Review status: criteria provided, single submitter. Criteria: Invitae Variant Classification Sherloc (09022015). Collection method: clinical testing. Allele origin: germline.
Comment: In summary, the available evidence is currently insufficient to determine the role of this variant in disease. Therefore, it has been classified as a Variant of Uncertain Significance. Algorithms developed to predict the effect of missense changes on protein structure and function output the following: SIFT: "Tolerated"; PolyPhen-2: "Benign"; Align-GVGD: "Class C0". The aspartic acid amino acid residue is found in multiple mammalian species, which suggests that this missense change does not adversely affect protein function. ClinVar contains an entry for this variant (Variation ID: 1795975). This variant has not been reported in the literature in individuals affected with CASR-related conditions. This variant is not present in population databases (gnomAD no frequency). This sequence change replaces glutamic acid, which is acidic and polar, with aspartic acid, which is acidic and polar, at codon 928 of the CASR protein (p.Glu928Asp).

Ambry Genetics
Classification: Uncertain significance for Nephrolithiasis/nephrocalcinosis. Last evaluated: 2022-01-31. Review status: criteria provided, single submitter. Criteria: Ambry Variant Classification Scheme 2023. Collection method: clinical testing. Allele origin: germline.
Comment: The p.E928D variant (also known as c.2784G>C), located in coding exon 6 of the CASR gene, results from a G to C substitution at nucleotide position 2784. The glutamic acid at codon 928 is replaced by aspartic acid, an amino acid with highly similar properties. This amino acid position is conserved. In addition, this alteration is predicted to be tolerated by in silico analysis. Since supporting evidence is limited at this time, the clinical significance of this alteration remains unclear.

NM_000388.4(CASR):c.2784G>C (p.Glu928Asp)

Gene: CASR (calcium sensing receptor; plus strand). Cytogenetic location: 3q21.1.
Variant type: single nucleotide variant.
Coding change: c.2784G>C on transcript NM_000388.4 (MANE Select); coding-DNA position 2784, G replaced by C.
Protein change: p.Glu928Asp; replaces glutamic acid 928 with aspartic acid.
Molecular consequence: missense variant.
Genome position (GRCh38, 1-based): chr3:122,284,738, G>C. VCF-style: chr3-122284738-G-C. GRCh37 (hg19) VCF-style: chr3-122003585-G-C.
Other names: c.2814G>C, p.Glu938Asp (NM_001178065.2); short protein forms E938D, E928D.
Identifiers: ClinVar variation 1795975 (VCV001795975.5), dbSNP rs1436637874, ClinGen allele CA354160759.